The following is an entry in ClinVar:

NM_007254.4(PNKP):c.1233A>G (p.Thr411=)

Gene: PNKP (polynucleotide kinase 3'-phosphatase; minus strand). Cytogenetic location: 19q13.33.
Variant type: single nucleotide variant.
Coding change: c.1233A>G on transcript NM_007254.4 (MANE Select); coding-DNA position 1233, A replaced by G.
Protein change: p.Thr411=; no amino-acid change (threonine 411 retained).
Molecular consequence: synonymous variant.
Genome position (GRCh38, 1-based): chr19:49,861,837, T>C on the plus strand (A>G on the coding strand, the complement: PNKP is on the minus strand). VCF-style: chr19-49861837-T-C. GRCh37 (hg19) VCF-style: chr19-50365094-T-C.
Identifiers: ClinVar variation 385707 (VCV000385707.12), dbSNP rs1057522305, ClinGen allele CA16607878.

ClinVar aggregate classification (germline): Likely benign. Review status: criteria provided, multiple submitters, no conflicts (2 of 4 stars). 3 submissions from 3 submitters: Likely benign (3). Last evaluated 2023-10-13.

Conditions:
Developmental and epileptic encephalopathy, 12 (DEE12). Identifiers: MedGen C3150988, MONDO:0013389, OMIM 613722.
Inborn genetic diseases. Identifiers: MedGen C0950123, MeSH D030342.

Allele frequency attached by ClinVar (database versions not stated): gnomAD exomes below 0.00001; gnomAD 0.00001.
gnomAD v4.1: 6 of 1,593,378 alleles (0.00038%); highest among the groups gnomAD compares: East Asian, 0.0046%; no homozygotes.

Submissions (3):

Labcorp Genetics (formerly Invitae), Labcorp
Classification: Likely benign for Developmental and epileptic encephalopathy, 12. Last evaluated: 2023-10-13. Review status: criteria provided, single submitter. Criteria: Invitae Variant Classification Sherloc (09022015). Collection method: clinical testing. Allele origin: germline.

Ambry Genetics
Classification: Likely benign for Inborn genetic diseases. Last evaluated: 2020-01-08. Review status: criteria provided, single submitter. Criteria: Ambry Variant Classification Scheme 2023. Collection method: clinical testing. Allele origin: germline.

GeneDx
Classification: Likely benign. Last evaluated: 2016-04-28. Review status: criteria provided, single submitter. Criteria: GeneDx Variant Classification (06012015). Collection method: clinical testing. Allele origin: germline. Affected: yes.
Comment: This variant is considered likely benign or benign based on one or more of the following criteria: it is a conservative change, it occurs at a poorly conserved position in the protein, it is predicted to be benign by multiple in silico algorithms, and/or has population frequency not consistent with disease.